The following is an entry in ClinVar:

NM_000361.3(THBD):c.707C>T (p.Ala236Val)

Gene: THBD (thrombomodulin; minus strand). Cytogenetic location: 20p11.21.
Variant type: single nucleotide variant.
Coding change: c.707C>T on transcript NM_000361.3 (MANE Select); coding-DNA position 707, C replaced by T.
Protein change: p.Ala236Val; replaces alanine 236 with valine.
Molecular consequence: missense variant.
Genome position (GRCh38, 1-based): chr20:23,048,798, G>A on the plus strand (C>T on the coding strand, the complement: THBD is on the minus strand). VCF-style: chr20-23048798-G-A. GRCh37 (hg19) VCF-style: chr20-23029435-G-A.
Other names: short protein forms A236V.
Identifiers: ClinVar variation 3690214 (VCV003690214.2).
Genomic context (GRCh38, chr20:23,048,798, plus strand): 5'-CACGCGTGCTCGCAGCCGCCGTTCTCCACGCTGCAGTCCCAAGCGCCCGGCGCCTCCCTG[G>A]CCCAGTGCCCCTGGACCGCTCCGGGCGGCGCGGTGCACATTAGCTGTAAGCCGAGGGGAG-3'
Protein context (NP_000352.1, residues 226-246): APPGAVQGHW[Ala236Val]REAPGAWDCS

ClinVar aggregate classification (germline): Uncertain significance (1 of 4 stars; one submission).

Submission:

Labcorp Genetics (formerly Invitae), Labcorp
Classification: Uncertain significance. Last evaluated: 2024-12-15. Review status: criteria provided, single submitter. Criteria: Invitae Variant Classification Sherloc (09022015). Collection method: clinical testing. Allele origin: germline.
Comment: This sequence change replaces alanine, which is neutral and non-polar, with valine, which is neutral and non-polar, at codon 236 of the THBD protein (p.Ala236Val). This variant is not present in population databases (gnomAD no frequency). This variant has not been reported in the literature in individuals affected with THBD-related conditions. Invitae Evidence Modeling of protein sequence and biophysical properties (such as structural, functional, and spatial information, amino acid conservation, physicochemical variation, residue mobility, and thermodynamic stability) indicates that this missense variant is not expected to disrupt THBD protein function with a negative predictive value of 80%. In summary, the available evidence is currently insufficient to determine the role of this variant in disease. Therefore, it has been classified as a Variant of Uncertain Significance.